The following is an entry in ClinVar:

ClinVar aggregate classification (germline): Uncertain significance (1 of 4 stars; one submission).

Submission:

GeneDx
Classification: Uncertain significance. Last evaluated: 2023-02-15. Review status: criteria provided, single submitter. Criteria: GeneDx Variant Classification Process June 2021. Collection method: clinical testing. Allele origin: germline. Affected: yes.
Comment: Not observed at significant frequency in large population cohorts (gnomAD); In silico analysis supports that this missense variant has a deleterious effect on protein structure/function; Has not been previously published as pathogenic or benign to our knowledge

NM_001160372.4(TRAPPC9):c.560T>C (p.Phe187Ser)

Gene: TRAPPC9 (trafficking protein particle complex subunit 9; minus strand). Cytogenetic location: 8q24.3.
Variant type: single nucleotide variant.
Coding change: c.560T>C on transcript NM_001160372.4 (MANE Select); coding-DNA position 560, T replaced by C.
Protein change: p.Phe187Ser; replaces phenylalanine 187 with serine.
Molecular consequence: missense variant. On other transcripts: non-coding transcript variant (1).
Genome position (GRCh38, 1-based): chr8:140,450,814, A>G on the plus strand (T>C on the coding strand, the complement: TRAPPC9 is on the minus strand). VCF-style: chr8-140450814-A-G. GRCh37 (hg19) VCF-style: chr8-141460913-A-G.
Other names: c.560T>C, p.Phe187Ser (NM_001321646.2, NM_001374682.1, NM_001374683.1 and 2 more transcripts); short protein forms F187S.
Identifiers: ClinVar variation 2576863 (VCV002576863.1), dbSNP rs2540540506, ClinGen allele CA372317983.
Genomic context (GRCh38, chr8:140,450,814, plus strand): 5'-GGAAGCCAAGGGGCCTGGGTCTCTAGGTAAGCTTACCTGCTGTCTGTGTCCAGTCCTACA[A>G]AGTCCTTTTTCTCAAACGGGACACAGAGAAGGGGGATCTTATCCCCAGACTTGTCTGTGG-3'
Protein context (NP_001153844.1, residues 177-197): LLCVPFEKKD[Phe187Ser]VGLDTDSRHY